The following is an entry in ClinVar:

ClinVar aggregate classification (germline): Uncertain significance (1 of 4 stars; one submission).

Conditions:
Severe combined immunodeficiency due to DNA-PKcs deficiency. Also called: IMMUNODEFICIENCY 26 WITH NEUROLOGIC ABNORMALITIES; Immunodeficiency 26 with or without neurologic abnormalities. Identifiers: Orphanet 317425, MedGen C4014833, MONDO:0014423, OMIM 615966.

Submission:

Labcorp Genetics (formerly Invitae), Labcorp
Classification: Uncertain significance for Severe combined immunodeficiency due to DNA-PKcs deficiency. Last evaluated: 2025-02-02. Review status: criteria provided, single submitter. Criteria: Invitae Variant Classification Sherloc (09022015). Collection method: clinical testing. Allele origin: germline.
Comment: This sequence change replaces alanine, which is neutral and non-polar, with glycine, which is neutral and non-polar, at codon 3597 of the PRKDC protein (p.Ala3597Gly). This variant is not present in population databases (gnomAD no frequency). This variant has not been reported in the literature in individuals affected with PRKDC-related conditions. Invitae Evidence Modeling of protein sequence and biophysical properties (such as structural, functional, and spatial information, amino acid conservation, physicochemical variation, residue mobility, and thermodynamic stability) indicates that this missense variant is not expected to disrupt PRKDC protein function with a negative predictive value of 80%. In summary, the available evidence is currently insufficient to determine the role of this variant in disease. Therefore, it has been classified as a Variant of Uncertain Significance.

NM_006904.7(PRKDC):c.10790C>G (p.Ala3597Gly)

Gene: PRKDC (protein kinase, DNA-activated, catalytic subunit; minus strand). Cytogenetic location: 8q11.21.
Variant type: single nucleotide variant.
Coding change: c.10790C>G on transcript NM_006904.7 (MANE Select); coding-DNA position 10790, C replaced by G.
Protein change: p.Ala3597Gly; replaces alanine 3597 with glycine.
Molecular consequence: missense variant.
Genome position (GRCh38, 1-based): chr8:47,789,018, G>C on the plus strand (C>G on the coding strand, the complement: PRKDC is on the minus strand). VCF-style: chr8-47789018-G-C. GRCh37 (hg19) VCF-style: chr8-48701579-G-C.
Other names: c.10790C>G, p.Ala3597Gly (NM_001081640.2); short protein forms A3597G.
Identifiers: ClinVar variation 4741805 (VCV004741805.1).